The following is an entry in ClinVar:

NM_022454.4(SOX17):c.289G>A (p.Glu97Lys)

Gene: SOX17 (SRY-box transcription factor 17; plus strand). Cytogenetic location: 8q11.23.
Variant type: single nucleotide variant.
Coding change: c.289G>A on transcript NM_022454.4 (MANE Select); coding-DNA position 289, G replaced by A.
Protein change: p.Glu97Lys; replaces glutamic acid 97 with lysine.
Molecular consequence: missense variant.
Genome position (GRCh38, 1-based): chr8:54,458,427, G>A. VCF-style: chr8-54458427-G-A. GRCh37 (hg19) VCF-style: chr8-55370987-G-A.
Other names: short protein forms E97K.
Identifiers: ClinVar variation 5030047 (VCV005030047.1).

ClinVar aggregate classification (germline): Uncertain significance (1 of 4 stars; one submission).

Conditions:
Inborn genetic diseases. Identifiers: MedGen C0950123, MeSH D030342.

Submission:

Ambry Genetics
Classification: Uncertain significance for Inborn genetic diseases. Last evaluated: 2026-06-17. Review status: criteria provided, single submitter. Criteria: Ambry Variant Classification Scheme 2023. Collection method: clinical testing. Allele origin: germline.
Comment: The c.289G>A (p.E97K) alteration is located in exon 1 (coding exon 1) of the SOX17 gene. This alteration results from a G to A substitution at nucleotide position 289, causing the glutamic acid (E) at amino acid position 97 to be replaced by a lysine (K). This variant was not reported in population-based cohorts in the Genome Aggregation Database (gnomAD). This amino acid position is well conserved in available vertebrate species. This missense variant is located in a region that has a low rate of benign missense variation (Lek, 2016; Firth, 2009). This alteration is predicted to be deleterious by in silico analysis. Based on insufficient or conflicting evidence, the clinical significance of this alteration remains unclear.